The following is an entry in ClinVar:

ClinVar aggregate classification (germline): Uncertain significance. Review status: criteria provided, multiple submitters, no conflicts (2 of 4 stars). 2 submissions from 2 submitters: Uncertain significance (2). Last evaluated 2024-05-30.

Conditions:
Inborn genetic diseases. Identifiers: MedGen C0950123, MeSH D030342.
Inosine triphosphatase deficiency. Also called: INOSINE TRIPHOSPHATE PYROPHOSPHOHYDROLASE DEFICIENCY. Identifiers: MedGen C0342800, MONDO:0013461, OMIM 613850.

Allele frequency attached by ClinVar (database versions not stated): gnomAD exomes 0.00001; gnomAD 0.00002; TOPMed 0.00003.
gnomAD v4.1: 12 of 1,612,638 alleles (0.00074%); highest among the groups gnomAD compares: Admixed American, 0.0017%; no homozygotes.

Submissions (2):

Ambry Genetics
Classification: Uncertain significance for Inborn genetic diseases. Last evaluated: 2024-05-30. Review status: criteria provided, single submitter. Criteria: Ambry Variant Classification Scheme 2023. Collection method: clinical testing. Allele origin: germline.

Labcorp Genetics (formerly Invitae), Labcorp
Classification: Uncertain significance for Inosine triphosphatase deficiency. Last evaluated: 2022-04-30. Review status: criteria provided, single submitter. Criteria: Invitae Variant Classification Sherloc (09022015). Collection method: clinical testing. Allele origin: germline.
Comment: This sequence change replaces phenylalanine, which is neutral and non-polar, with leucine, which is neutral and non-polar, at codon 189 of the ITPA protein (p.Phe189Leu). This variant is present in population databases (no rsID available, gnomAD 0.007%). This variant has not been reported in the literature in individuals affected with ITPA-related conditions. Algorithms developed to predict the effect of missense changes on protein structure and function (SIFT, PolyPhen-2, Align-GVGD) all suggest that this variant is likely to be tolerated. In summary, the available evidence is currently insufficient to determine the role of this variant in disease. Therefore, it has been classified as a Variant of Uncertain Significance.

NM_033453.4(ITPA):c.565T>C (p.Phe189Leu)

Gene: ITPA (inosine triphosphatase; plus strand). Cytogenetic location: 20p13.
Variant type: single nucleotide variant.
Coding change: c.565T>C on transcript NM_033453.4 (MANE Select); coding-DNA position 565, T replaced by C.
Protein change: p.Phe189Leu; replaces phenylalanine 189 with leucine.
Molecular consequence: missense variant. On other transcripts: synonymous variant (5), non-coding transcript variant (2), intron variant (1).
Genome position (GRCh38, 1-based): chr20:3,223,442, T>C. VCF-style: chr20-3223442-T-C. GRCh37 (hg19) VCF-style: chr20-3204088-T-C.
Other names: c.442T>C, p.Phe148Leu (NM_001267623.2); c.228T>C, p.Thr76= (NM_001324236.2, NM_001324237.2, NM_001324238.2 and 1 more transcripts); c.612T>C, p.Thr204= (NM_001424408.1); c.691T>C, p.Phe231Leu (NM_001424409.1); c.514T>C, p.Phe172Leu (NM_181493.4); c.412-3241T>C (NM_001324240.2); short protein forms F189L, F148L, F172L, F231L.
Identifiers: ClinVar variation 2066566 (VCV002066566.2), dbSNP rs1196215532, ClinGen allele CA408081821.